The following is an entry in ClinVar:

NM_024598.4(USB1):c.226C>A (p.His76Asn)

Gene: USB1 (U6 snRNA biogenesis phosphodiesterase 1; plus strand). Cytogenetic location: 16q21.
Variant type: single nucleotide variant.
Coding change: c.226C>A on transcript NM_024598.4 (MANE Select); coding-DNA position 226, C replaced by A.
Protein change: p.His76Asn; replaces histidine 76 with asparagine.
Molecular consequence: missense variant.
Genome position (GRCh38, 1-based): chr16:58,002,606, C>A. VCF-style: chr16-58002606-C-A. GRCh37 (hg19) VCF-style: chr16-58036510-C-A.
Other names: c.226C>A, p.His76Asn (NM_001195302.2, NM_001204911.2, NM_001330569.2); c.73C>A, p.His25Asn (NM_001330568.2); c.226C>A (NM_024598.3); short protein forms H76N, H25N.
Identifiers: ClinVar variation 1425794 (VCV001425794.8), dbSNP rs780752842, ClinGen allele CA8084839.

ClinVar aggregate classification (germline): Uncertain significance. Review status: criteria provided, multiple submitters, no conflicts (2 of 4 stars). 2 submissions from 2 submitters: Uncertain significance (2). Last evaluated 2024-10-04.

Conditions:
Inborn genetic diseases. Identifiers: MedGen C0950123, MeSH D030342.

Allele frequency attached by ClinVar (database versions not stated): gnomAD exomes 0.00001; ExAC 0.00002.
gnomAD v4.1: 12 of 1,613,882 alleles (0.00074%); highest among the groups gnomAD compares: African/African-American, 0.012%; no homozygotes.

Submissions (2):

Ambry Genetics
Classification: Uncertain significance for Inborn genetic diseases. Last evaluated: 2024-10-04. Review status: criteria provided, single submitter. Criteria: Ambry Variant Classification Scheme 2023. Collection method: clinical testing. Allele origin: germline.
Comment: The p.H76N variant (also known as c.226C>A), located in coding exon 2 of the USB1 gene, results from a C to A substitution at nucleotide position 226. The histidine at codon 76 is replaced by asparagine, an amino acid with similar properties. This amino acid position is conserved. In addition, the in silico prediction for this alteration is inconclusive. Based on the available evidence, the clinical significance of this variant remains unclear.

Labcorp Genetics (formerly Invitae), Labcorp
Classification: Uncertain significance. Last evaluated: 2022-11-28. Review status: criteria provided, single submitter. Criteria: Invitae Variant Classification Sherloc (09022015). Collection method: clinical testing. Allele origin: germline.
Comment: In summary, the available evidence is currently insufficient to determine the role of this variant in disease. Therefore, it has been classified as a Variant of Uncertain Significance. Advanced modeling of protein sequence and biophysical properties (such as structural, functional, and spatial information, amino acid conservation, physicochemical variation, residue mobility, and thermodynamic stability) performed at Invitae indicates that this missense variant is expected to disrupt USB1 protein function. ClinVar contains an entry for this variant (Variation ID: 1425794). This variant has not been reported in the literature in individuals affected with USB1-related conditions. This variant is present in population databases (rs780752842, gnomAD 0.007%). This sequence change replaces histidine, which is basic and polar, with asparagine, which is neutral and polar, at codon 76 of the USB1 protein (p.His76Asn).